The following is an entry in ClinVar:

ClinVar aggregate classification (germline): not provided (0 of 4 stars; one submission).

Conditions:
Gestational diabetes mellitus uncontrolled. Identifiers: MedGen C3532257.

Submission:

Institute of Molecular and Cell Biology, University of Tartu
No classification provided. Condition: Gestational diabetes mellitus uncontrolled. Review status: no classification provided. Collection method: case-control. Allele origin: unknown. Affected: yes. Study: Kasak2014.
Comment: The study aimed to determine the contribution of copy number variants in the genetic etiology of normal and complicated pregnancies. The samples represented (i) maternal blood DNA drawn from healthy pregnant women during 1st or 2nd trimester and (ii) maternal and paternal blood DNA drawn at term pregnancy cases representing normal and complicated gestations (severe preeclampsia, PE; gestational diabetes, GD; small-for-gestational age newborn, SGA; large-for-gestational age newborn, LGA). We performed CNV calling based on genome-wide genotyping dataset (Illumina HumanOmniExpress-24-v1 BeadChip) by applying three algorithms, QuantiSNP, GADA (Genome Alteration Detection Algorithm) and CNstream in parallel. The acquired CNV calls were merged with HD-CNV (Hotspot Detector for Copy Number Variants) program and only the CNVs predicted by at least two programs, were considered in subsequent analysis.

Literature cited by the submitters: PubMed 25666259.

NC_000008.11:g.13523370_13678493dup

Genes: C8orf48 (chromosome 8 open reading frame 48; plus strand), DLC1 (DLC1 Rho GTPase activating protein; minus strand), LOC102725080 (uncharacterized LOC102725080; plus strand), LOC132090783 (Neanderthal introgressed variant-containing enhancer experimental_101206; plus strand). Cytogenetic location: 8p22.
Variant type: Duplication.
Identifiers: ClinVar variation 157098 (VCV000157098.2).